The following is an entry in ClinVar:

NM_001370658.1(BTD):c.1207T>C (p.Cys403Arg)

Gene: BTD (biotinidase; plus strand). Cytogenetic location: 3p25.1.
Variant type: single nucleotide variant.
Coding change: c.1207T>C on transcript NM_001370658.1 (MANE Select); coding-DNA position 1207, T replaced by C.
Protein change: p.Cys403Arg; replaces cysteine 403 with arginine.
Molecular consequence: missense variant. On other transcripts: intron variant (2).
Genome position (GRCh38, 1-based): chr3:15,645,123, T>C. VCF-style: chr3-15645123-T-C. GRCh37 (hg19) VCF-style: chr3-15686630-T-C.
Other names: c.1207T>C, p.Cys403Arg (NM_001407365.1, NM_001407366.1, NM_001407367.1 and 16 more transcripts); c.1267T>C, p.Cys423Arg (NM_000060.4); c.1015+192T>C (NM_001370752.1); c.399+3066T>C (NM_001370753.1); short protein forms C403R.
Identifiers: ClinVar variation 25073 (VCV000025073.25), dbSNP rs397514412, ClinGen allele CA278312.

ClinVar aggregate classification (germline): Pathogenic/Likely pathogenic. Review status: criteria provided, multiple submitters, no conflicts (2 of 4 stars). 7 submissions from 7 submitters: Pathogenic (3); Likely pathogenic (4). Last evaluated 2025-04-16.

Conditions:
Biotinidase deficiency. Also called: BTD deficiency; Late-onset biotin-responsive multiple carboxylase deficiency; Biotin deficiency. Identifiers: Orphanet 79241, MedGen C0220754, MONDO:0009665, OMIM 253260.

Allele frequency attached by ClinVar (database versions not stated): gnomAD 0.00001; TOPMed 0.00001; gnomAD exomes below 0.00001.
gnomAD v4.1: 2 of 1,614,086 alleles (0.00012%); highest among the groups gnomAD compares: Non-Finnish European, 0.00017%; no homozygotes.

Submissions (7):

GeneDx
Classification: Likely pathogenic. Last evaluated: 2025-04-16. Review status: criteria provided, single submitter. Criteria: GeneDx Variant Classification Process June 2021. Collection method: clinical testing. Allele origin: germline. Affected: yes.
Comment: Observed multiple times with a pathogenic variant on the opposite allele (in trans) or with a pathogenic variant, phase unknown, in unrelated patients referred for genetic testing at GeneDx and in the published literature with profound or partial biotinidase deficiency (PMID: 27657684, 31035122, 9396567, 35195902); Not observed at significant frequency in large population cohorts (gnomAD); In silico analysis supports that this missense variant has a deleterious effect on protein structure/function; Also known as p.(C423R); This variant is associated with the following publications: (PMID: 10400129, 9396567, 31035122, 35195902, 27657684)

Labcorp Genetics (formerly Invitae), Labcorp
Classification: Pathogenic for Biotinidase deficiency. Last evaluated: 2024-07-03. Review status: criteria provided, single submitter. Criteria: Invitae Variant Classification Sherloc (09022015). Collection method: clinical testing. Allele origin: germline.
Comment: This sequence change replaces cysteine, which is neutral and slightly polar, with arginine, which is basic and polar, at codon 423 of the BTD protein (p.Cys423Arg). This variant is present in population databases (rs397514412, gnomAD 0.007%). This missense change has been observed in individual(s) with biotinidase deficiency (PMID: 9396567, 27657684, 31035122). In at least one individual the data is consistent with being in trans (on the opposite chromosome) from a pathogenic variant. ClinVar contains an entry for this variant (Variation ID: 25073). Advanced modeling of protein sequence and biophysical properties (such as structural, functional, and spatial information, amino acid conservation, physicochemical variation, residue mobility, and thermodynamic stability) performed at Invitae indicates that this missense variant is expected to disrupt BTD protein function with a positive predictive value of 95%. For these reasons, this variant has been classified as Pathogenic.

Baylor Genetics
Classification: Pathogenic for Biotinidase deficiency. Last evaluated: 2024-01-21. Review status: criteria provided, single submitter. Criteria: ACMG Guidelines, 2015. Collection method: clinical testing. Allele origin: unknown.

Women's Health and Genetics/Laboratory Corporation of America, LabCorp
Classification: Pathogenic for Biotinidase deficiency. Last evaluated: 2023-11-08. Review status: criteria provided, single submitter. Criteria: LabCorp Variant Classification Summary - May 2015. Collection method: clinical testing. Allele origin: germline.
Comment: Variant summary: BTD c.1207T>C (p.Cys403Arg) results in a non-conservative amino acid change in the encoded protein sequence. Five of five in-silico tools predict a damaging effect of the variant on protein function. The variant was absent in 251372 control chromosomes. c.1207T>C, described as p.Cys423Arg, has been reported at a compound heterozygous state along with different apparently pathogenic variants in at-least four individuals affected with Biotinidase Deficiency (examples, Forny_2022, Iseghem_2019, Pomponio_1997, Wolf_2017). These data indicate that the variant is very likely to be associated with disease. To our knowledge, no experimental evidence demonstrating an impact on protein function has been reported. The following publications have been ascertained in the context of this evaluation (PMID: 35195902, 31035122, 9396567, 27657684). Four submitters have cited clinical-significance assessments for this variant to ClinVar after 2014 (PATH, n=1, Likely pathogenic, n=2, VUS, n=1). Based on the evidence outlined above, the variant was classified as pathogenic.

Revvity Omics, Revvity
Classification: Likely pathogenic for Biotinidase deficiency. Last evaluated: 2023-07-14. Review status: criteria provided, single submitter. Criteria: ACMG Guidelines, 2015. Collection method: clinical testing. Allele origin: germline.

Myriad Genetics, Inc.
Classification: Likely pathogenic for Biotinidase deficiency. Last evaluated: 2023-02-07. Review status: criteria provided, single submitter. Criteria: Myriad Autosomal Dominant, Autosomal Recessive and X-Linked Classification Criteria (2023). Collection method: clinical testing. Allele origin: unknown.
Comment: NM_000060.2(BTD):c.1267T>C(C423R) is a missense variant classified as likely pathogenic in the context of biotinidase deficiency. C423R has been observed in cases with relevant disease (PMID:10400129, 9396567, 31035122, 35195902). Functional assessments of this variant are not available in the literature. C423R has been observed in referenced population frequency databases (gnomAD: NFE 0.00648%). In summary, NM_000060.2(BTD):c.1267T>C(C423R) is a missense variant that has been observed more frequently in cases with the relevant disease than in healthy populations. Please note: this variant was assessed in the context of healthy population screening.

Quest Diagnostics Nichols Institute San Juan Capistrano
Classification: Likely pathogenic. Last evaluated: 2021-05-20. Review status: criteria provided, single submitter. Criteria: Quest Diagnostics criteria. Collection method: clinical testing. Allele origin: unknown.
Comment: The variant occurs in multiple cases with a lone recessive pathogenic/likely pathogenic variant in the same gene, and several have phenotype known to be consistent with disease. The variant predicted to have a damaging effect on the protein and is damaging to protein function(s) relevant to disease mechanism.

Literature cited by the submitters: PubMed 9396567 (cited by 4 submitters); PubMed 27657684 (cited by 3 submitters); PubMed 31035122 (cited by 4 submitters); PubMed 35195902 (cited by Women's Health and Genetics/Laboratory Corporation of America, LabCorp and Myriad Genetics, Inc.); PubMed 10400129 (cited by Myriad Genetics, Inc. and Quest Diagnostics Nichols Institute San Juan Capistrano).